The following is an entry in ClinVar:

NM_005618.4(DLL1):c.1682G>C (p.Gly561Ala)

Gene: DLL1 (delta like canonical Notch ligand 1; minus strand). Cytogenetic location: 6q27.
Variant type: single nucleotide variant.
Coding change: c.1682G>C on transcript NM_005618.4 (MANE Select); coding-DNA position 1682, G replaced by C.
Protein change: p.Gly561Ala; replaces glycine 561 with alanine.
Molecular consequence: missense variant.
Genome position (GRCh38, 1-based): chr6:170,283,597, C>G on the plus strand (G>C on the coding strand, the complement: DLL1 is on the minus strand). VCF-style: chr6-170283597-C-G. GRCh37 (hg19) VCF-style: chr6-170592685-C-G.
Other names: short protein forms G561A.
Identifiers: ClinVar variation 1713999 (VCV001713999.5), dbSNP rs762743631, ClinGen allele CA4106764.

ClinVar aggregate classification (germline): Uncertain significance (1 of 4 stars; one submission).

Allele frequency attached by ClinVar (database versions not stated): TOPMed below 0.00001; ExAC 0.00001; gnomAD 0.00001; gnomAD exomes 0.00001.
gnomAD v4.1: 4 of 1,612,240 alleles (0.00025%); highest among the groups gnomAD compares: East Asian, 0.0089%; no homozygotes.

Submission:

Labcorp Genetics (formerly Invitae), Labcorp
Classification: Uncertain significance. Last evaluated: 2022-07-27. Review status: criteria provided, single submitter. Criteria: Invitae Variant Classification Sherloc (09022015). Collection method: clinical testing. Allele origin: germline.
Comment: This variant is present in population databases (rs762743631, gnomAD 0.01%). This sequence change replaces glycine, which is neutral and non-polar, with alanine, which is neutral and non-polar, at codon 561 of the DLL1 protein (p.Gly561Ala). This variant has not been reported in the literature in individuals affected with DLL1-related conditions. Algorithms developed to predict the effect of missense changes on protein structure and function (SIFT, PolyPhen-2, Align-GVGD) all suggest that this variant is likely to be tolerated. In summary, the available evidence is currently insufficient to determine the role of this variant in disease. Therefore, it has been classified as a Variant of Uncertain Significance.